The following is an entry in ClinVar:

NC_000006.12:g.102080187C>T

Gene: GRIK2 (glutamate ionotropic receptor kainate type subunit 2; plus strand). Cytogenetic location: 6q16.3.
Variant type: single nucleotide variant.
Genome position: GRCh38 VCF-style: chr6-102080187-C-T. GRCh37 (hg19) VCF-style: chr6-102528062-C-T.
Identifiers: ClinVar variation 4874114 (VCV004874114.2).
Genomic context (GRCh38, chr6:102,080,187, plus strand): 5'-TCCCAAGTTTTTCAGTAGTTTCATTATATTCTACCTTCTTCTATTTACCTCCAGGAGAAA[C>T]ACAGTGGAAATAAGAATTTGCAGAGACAAGGAGAGAACAAGTATGATACTTTGTCTTTGG-3'

ClinVar aggregate classification (germline): Likely benign (1 of 4 stars; one submission).

Submission:

CeGaT Center for Human Genetics Tuebingen
Classification: Likely benign. Last evaluated: 2026-07-01. Review status: criteria provided, single submitter. Criteria: CeGaT Center For Human Genetics Tuebingen Variant Classification Criteria Version 2. Collection method: clinical testing. Allele origin: germline. Affected: yes. Observed: 2 variant alleles.
Comment: GRIK2: BS2